The following is an entry in ClinVar:

NM_005660.3(SLC35A2):c.447C>A (p.Ile149=)

Gene: SLC35A2 (solute carrier family 35 member A2; minus strand). Cytogenetic location: Xp11.23.
Variant type: single nucleotide variant.
Coding change: c.447C>A on transcript NM_005660.3 (MANE Select); coding-DNA position 447, C replaced by A.
Protein change: p.Ile149=; no amino-acid change (isoleucine 149 retained).
Molecular consequence: synonymous variant. On other transcripts: intron variant (3).
Genome position (GRCh38, 1-based): chrX:48,905,462, G>T on the plus strand (C>A on the coding strand, the complement: SLC35A2 is on the minus strand). VCF-style: chrX-48905462-G-T. GRCh37 (hg19) VCF-style: chrX-48762739-G-T.
Other names: c.447C>A, p.Ile149= (NM_001042498.3); c.264C>A, p.Ile88= (NM_001282649.2); c.486C>A, p.Ile162= (NM_001282650.2); c.531C>A, p.Ile177= (NM_001282651.2); c.427-570C>A (NM_001282647.2, NM_001032289.3); c.355-570C>A (NM_001282648.2).
Identifiers: ClinVar variation 512042 (VCV000512042.35), dbSNP rs782379632, ClinGen allele CA10406129.

ClinVar aggregate classification (germline): Likely benign. Review status: criteria provided, multiple submitters, no conflicts (2 of 4 stars). 5 submissions from 5 submitters: Likely benign (5). Last evaluated 2025-10-15.

Conditions:
SLC35A2-congenital disorder of glycosylation. Also called: CONGENITAL DISORDER OF GLYCOSYLATION, TYPE IIm; CDG IIm; CONGENITAL DISORDER OF GLYCOSYLATION, TYPE IIm, SOMATIC MOSAIC; EPILEPTIC ENCEPHALOPATHY, EARLY INFANTILE, 22; SLC35A2-CDG; DEVELOPMENTAL AND EPILEPTIC ENCEPHALOPATHY 22. Identifiers: Orphanet 356961, MedGen C3806688, MONDO:0010478, OMIM 300896.

Allele frequency attached by ClinVar (database versions not stated): ExAC 0.00005; gnomAD exomes 0.00005; TOPMed 0.00007; gnomAD 0.00011.
gnomAD v4.1: 208 of 1,149,529 alleles (0.018%); highest among the groups gnomAD compares: Non-Finnish European, 0.023%; no homozygotes.

Submissions (5):

Labcorp Genetics (formerly Invitae), Labcorp
Classification: Likely benign for SLC35A2-congenital disorder of glycosylation. Last evaluated: 2025-10-15. Review status: criteria provided, single submitter. Criteria: Invitae Variant Classification Sherloc (09022015). Collection method: clinical testing. Allele origin: germline.

ARUP Laboratories, Molecular Genetics and Genomics, ARUP Laboratories
Classification: Likely benign for SLC35A2-congenital disorder of glycosylation. Last evaluated: 2025-03-20. Review status: criteria provided, single submitter. Criteria: ARUP Molecular Germline Variant Investigation Process 2024. Collection method: clinical testing. Allele origin: germline.

CeGaT Center for Human Genetics Tuebingen
Classification: Likely benign. Last evaluated: 2023-10-01. Review status: criteria provided, single submitter. Criteria: CeGaT Center For Human Genetics Tuebingen Variant Classification Criteria Version 2. Collection method: clinical testing. Allele origin: germline. Affected: yes. Observed: 1 variant allele.
Comment: SLC35A2: BP4, BS2

Athena Diagnostics
Classification: Likely benign. Last evaluated: 2018-12-17. Review status: criteria provided, single submitter. Criteria: Athena Diagnostics Criteria. Collection method: clinical testing. Allele origin: germline.

GeneDx
Classification: Likely benign. Last evaluated: 2017-09-26. Review status: criteria provided, single submitter. Criteria: GeneDx Variant Classification (06012015). Collection method: clinical testing. Allele origin: germline. Affected: yes.
Comment: This variant is considered likely benign or benign based on one or more of the following criteria: it is a conservative change, it occurs at a poorly conserved position in the protein, it is predicted to be benign by multiple in silico algorithms, and/or has population frequency not consistent with disease.